The following is an entry in ClinVar:

NM_004663.5(RAB11A):c.294A>T (p.Thr98=)

Gene: RAB11A (RAB11A, member RAS oncogene family; plus strand). Cytogenetic location: 15q22.31.
Variant type: single nucleotide variant.
Coding change: c.294A>T on transcript NM_004663.5 (MANE Select); coding-DNA position 294, A replaced by T.
Protein change: p.Thr98=; no amino-acid change (threonine 98 retained).
Molecular consequence: synonymous variant.
Genome position (GRCh38, 1-based): chr15:65,877,819, A>T. VCF-style: chr15-65877819-A-T. GRCh37 (hg19) VCF-style: chr15-66170157-A-T.
Other names: c.294A>T, p.Thr98= (NM_001206836.2); c.294A>T (NM_004663.4).
Identifiers: ClinVar variation 1534279 (VCV001534279.11), dbSNP rs148440353, ClinGen allele CA7621575.

ClinVar aggregate classification (germline): Benign/Likely benign. Review status: criteria provided, multiple submitters, no conflicts (2 of 4 stars). 4 submissions from 4 submitters: Benign (2); Likely benign (1). 1 of the submissions does not count toward it. Last evaluated 2026-01-26.

Conditions:
RAB11A-related disorder. Also called: RAB11A-related condition.

Allele frequency attached by ClinVar (database versions not stated): 1000 Genomes Project 30x 0.00031; 1000 Genomes Project 0.00040; ESP Exome Variant Server 0.00092.
gnomAD v4.1: 1,038 of 1,611,172 alleles (0.064%); highest among the groups gnomAD compares: Middle Eastern, 0.45%; no homozygotes.

Submissions (4):

Labcorp Genetics (formerly Invitae), Labcorp
Classification: Benign. Last evaluated: 2026-01-26. Review status: criteria provided, single submitter. Criteria: Invitae Variant Classification Sherloc (09022015). Collection method: clinical testing. Allele origin: germline.

Blueprint Genetics
Classification: Likely benign. Last evaluated: 2024-10-23. Review status: criteria provided, single submitter. Criteria: ACMG Guidelines, 2015. Collection method: clinical testing. Allele origin: germline.

Breakthrough Genomics
Classification: Benign. Review status: criteria provided, single submitter. Criteria: ACMG Guidelines, 2015. Collection method: not provided. Allele origin: germline. Inheritance: Unknown mechanism. Affected: yes.

PreventionGenetics, part of Exact Sciences
Classification: Likely benign for RAB11A-related condition. Last evaluated: 2019-05-23. Review status: no assertion criteria provided. Collection method: clinical testing. Allele origin: germline. Not counted in ClinVar's aggregate classification.
Comment: This variant is classified as likely benign based on ACMG/AMP sequence variant interpretation guidelines (Richards et al. 2015 PMID: 25741868, with internal and published modifications).